The following is an entry in ClinVar:

ClinVar aggregate classification (germline): Uncertain significance (1 of 4 stars; one submission).

Submission:

Labcorp Genetics (formerly Invitae), Labcorp
Classification: Uncertain significance. Last evaluated: 2024-02-17. Review status: criteria provided, single submitter. Criteria: Invitae Variant Classification Sherloc (09022015). Collection method: clinical testing. Allele origin: germline.
Comment: This sequence change replaces threonine, which is neutral and polar, with proline, which is neutral and non-polar, at codon 118 of the TBX20 protein (p.Thr118Pro). This variant is not present in population databases (gnomAD no frequency). This variant has not been reported in the literature in individuals affected with TBX20-related conditions. Advanced modeling of protein sequence and biophysical properties (such as structural, functional, and spatial information, amino acid conservation, physicochemical variation, residue mobility, and thermodynamic stability) performed at Invitae indicates that this missense variant is expected to disrupt TBX20 protein function with a positive predictive value of 80%. In summary, the available evidence is currently insufficient to determine the role of this variant in disease. Therefore, it has been classified as a Variant of Uncertain Significance.

NM_001077653.2(TBX20):c.352A>C (p.Thr118Pro)

Gene: TBX20 (T-box transcription factor 20; minus strand). Cytogenetic location: 7p14.2.
Variant type: single nucleotide variant.
Coding change: c.352A>C on transcript NM_001077653.2 (MANE Select); coding-DNA position 352, A replaced by C.
Protein change: p.Thr118Pro; replaces threonine 118 with proline.
Molecular consequence: missense variant.
Genome position (GRCh38, 1-based): chr7:35,249,979, T>G on the plus strand (A>C on the coding strand, the complement: TBX20 is on the minus strand). VCF-style: chr7-35249979-T-G. GRCh37 (hg19) VCF-style: chr7-35289591-T-G.
Other names: c.352A>C, p.Thr118Pro (NM_001166220.1); short protein forms T118P.
Identifiers: ClinVar variation 2900839 (VCV002900839.3), dbSNP rs2546997300, ClinGen allele CA367264942.